The following is an entry in ClinVar:

ClinVar aggregate classification (germline): Uncertain significance (1 of 4 stars; one submission).

Conditions:
Cardiovascular phenotype. Identifiers: MedGen CN230736.

gnomAD v4.1: 1 of 1,614,010 alleles (0.000062%); no homozygotes.

Submission:

Ambry Genetics
Classification: Uncertain significance for Cardiovascular phenotype. Last evaluated: 2024-08-07. Review status: criteria provided, single submitter. Criteria: Ambry Variant Classification Scheme 2023. Collection method: clinical testing. Allele origin: germline.
Comment: The p.T271I variant (also known as c.812C>T), located in coding exon 4 of the DES gene, results from a C to T substitution at nucleotide position 812. The threonine at codon 271 is replaced by isoleucine, an amino acid with similar properties. This amino acid position is conserved. In addition, this alteration is predicted to be deleterious by in silico analysis. Based on the available evidence, the clinical significance of this variant remains unclear.

NM_001927.4(DES):c.812C>T (p.Thr271Ile)

Gene: DES (desmin; plus strand). Cytogenetic location: 2q35.
Variant type: single nucleotide variant.
Coding change: c.812C>T on transcript NM_001927.4 (MANE Select); coding-DNA position 812, C replaced by T.
Protein change: p.Thr271Ile; replaces threonine 271 with isoleucine.
Molecular consequence: missense variant. On other transcripts: intron variant (1).
Genome position (GRCh38, 1-based): chr2:219,420,571, C>T. VCF-style: chr2-219420571-C-T. GRCh37 (hg19) VCF-style: chr2-220285293-C-T.
Other names: c.809C>T, p.Thr270Ile (NM_001382708.1); c.812C>T, p.Thr271Ile (NM_001382710.1, NM_001382711.1, NM_001382712.1); c.542C>T, p.Thr181Ile (NM_001382713.1); c.735+225C>T (NM_001382709.1); short protein forms T181I, T270I, T271I.
Identifiers: ClinVar variation 3501191 (VCV003501191.1).
Genomic context (GRCh38, chr2:219,420,571, plus strand): 5'-AGGCTCAGCTTCAGGAACAGCAGGTCCAGGTGGAGATGGACATGTCTAAGCCAGACCTCA[C>T]TGCCGCCCTCAGGGACATCCGGGCTCAGTATGAGACCATCGCGGCTAAGAACATTTCTGA-3'
Protein context (NP_001918.3, residues 261-281): VEMDMSKPDL[Thr271Ile]AALRDIRAQY